The following is an entry in ClinVar:

NM_017636.4(TRPM4):c.3284G>A (p.Arg1095Gln)

Gene: TRPM4 (transient receptor potential cation channel subfamily M member 4; plus strand). Cytogenetic location: 19q13.33.
Variant type: single nucleotide variant.
Coding change: c.3284G>A on transcript NM_017636.4 (MANE Select); coding-DNA position 3284, G replaced by A.
Protein change: p.Arg1095Gln; replaces arginine 1095 with glutamine.
Molecular consequence: missense variant.
Genome position (GRCh38, 1-based): chr19:49,210,361, G>A. VCF-style: chr19-49210361-G-A. GRCh37 (hg19) VCF-style: chr19-49713618-G-A.
Other names: c.2849G>A, p.Arg950Gln (NM_001195227.2); c.2939G>A, p.Arg980Gln (NM_001321281.2); c.1676G>A, p.Arg559Gln (NM_001321282.2); c.2762G>A, p.Arg921Gln (NM_001321283.2); c.2222G>A, p.Arg741Gln (NM_001321285.2); short protein forms R741Q, R950Q, R980Q, R559Q, R1095Q, R921Q.
Identifiers: ClinVar variation 4745685 (VCV004745685.1).

ClinVar aggregate classification (germline): Uncertain significance (1 of 4 stars; one submission).

Conditions:
Progressive familial heart block type IB (PFHB1B). Identifiers: Orphanet 871, MedGen C1970298, MONDO:0011474, OMIM 604559.

Submission:

Labcorp Genetics (formerly Invitae), Labcorp
Classification: Uncertain significance for Progressive familial heart block type IB. Last evaluated: 2025-02-18. Review status: criteria provided, single submitter. Criteria: Invitae Variant Classification Sherloc (09022015). Collection method: clinical testing. Allele origin: germline.
Comment: This sequence change replaces arginine, which is basic and polar, with glutamine, which is neutral and polar, at codon 1095 of the TRPM4 protein (p.Arg1095Gln). This variant is not present in population databases (gnomAD no frequency). This variant has not been reported in the literature in individuals affected with TRPM4-related conditions. An algorithm developed to predict the effect of missense changes on protein structure and function (PolyPhen-2) suggests that this variant is likely to be tolerated. In summary, the available evidence is currently insufficient to determine the role of this variant in disease. Therefore, it has been classified as a Variant of Uncertain Significance.